The following is an entry in ClinVar:

NM_001267550.2(TTN):c.56461G>A (p.Val18821Ile)

Genes: TTN (titin; minus strand), TTN-AS1 (TTN antisense RNA 1; plus strand). Cytogenetic location: 2q31.2.
Variant type: single nucleotide variant.
Coding change: c.56461G>A on transcript NM_001267550.2 (MANE Select); coding-DNA position 56461, G replaced by A.
Protein change: p.Val18821Ile; replaces valine 18821 with isoleucine.
Molecular consequence: missense variant.
Genome position (GRCh38, 1-based): chr2:178,599,332, C>T on the plus strand (G>A on the coding strand, the complement: TTN is on the minus strand). VCF-style: chr2-178599332-C-T. GRCh37 (hg19) VCF-style: chr2-179464059-C-T.
Other names: c.51538G>A, p.Val17180Ile (NM_001256850.1); c.29266G>A, p.Val9756Ile (NM_003319.4); c.48757G>A, p.Val16253Ile (NM_133378.4); c.29641G>A, p.Val9881Ile (NM_133432.3); c.29842G>A, p.Val9948Ile (NM_133437.4); short protein forms V16253I, V18821I, V9948I, V9756I, V17180I, V9881I.
Identifiers: ClinVar variation 672234 (VCV000672234.6), dbSNP rs1576247575, ClinGen allele CA349531939.

ClinVar aggregate classification (germline): Likely benign. Review status: criteria provided, single submitter (1 of 4 stars). 4 submissions from 4 submitters: Likely benign (1). 3 of the submissions do not count toward it. Last evaluated 2018-06-18.

Allele frequency attached by ClinVar (database versions not stated): gnomAD 0.00001; gnomAD exomes 0.00001.
gnomAD v4.1: 19 of 1,610,246 alleles (0.0012%); highest among the groups gnomAD compares: Non-Finnish European, 0.0015%; 1 homozygote.

Submissions (4):

GeneDx
Classification: Likely benign. Last evaluated: 2018-06-18. Review status: criteria provided, single submitter. Criteria: GeneDx Variant Classification (06012015). Collection method: clinical testing. Allele origin: germline. Affected: yes.
Comment: This variant is considered likely benign or benign based on one or more of the following criteria: it is a conservative change, it occurs at a poorly conserved position in the protein, it is predicted to be benign by multiple in silico algorithms, and/or has population frequency not consistent with disease.

Clinical Genetics DNA and cytogenetics Diagnostics Lab, Erasmus MC, Erasmus Medical Center
Classification: Uncertain significance. Review status: no assertion criteria provided. Collection method: clinical testing. Allele origin: germline. Affected: yes. Study: VKGL Data-share Consensus. Not counted in ClinVar's aggregate classification.

Clinical Genetics, Academic Medical Center
Classification: Uncertain significance. Review status: no assertion criteria provided. Collection method: clinical testing. Allele origin: germline. Affected: yes. Study: VKGL Data-share Consensus. Not counted in ClinVar's aggregate classification.

Joint Genome Diagnostic Labs from Nijmegen and Maastricht, Radboudumc and MUMC+
Classification: Uncertain significance. Review status: no assertion criteria provided. Collection method: clinical testing. Allele origin: germline. Affected: yes. Study: VKGL Data-share Consensus. Not counted in ClinVar's aggregate classification.